The following is an entry in ClinVar:

NM_012193.4(FZD4):c.*203A>G

Genes: FZD4 (frizzled class receptor 4; minus strand), PRSS23 (serine protease 23; plus strand). Cytogenetic location: 11q14.2.
Variant type: single nucleotide variant.
Coding change: c.*203A>G on transcript NM_012193.4 (MANE Select); 203 bases downstream of the stop codon, A replaced by G.
Molecular consequence: 3 prime UTR variant.
Genome position (GRCh38, 1-based): chr11:86,950,939, T>C on the plus strand (A>G on the coding strand, the complement: FZD4 is on the minus strand). VCF-style: chr11-86950939-T-C. GRCh37 (hg19) VCF-style: chr11-86661981-T-C.
Identifiers: ClinVar variation 306397 (VCV000306397.8), dbSNP rs3740661, ClinGen allele CA10640453.

ClinVar aggregate classification (germline): Benign/Likely benign. Review status: criteria provided, multiple submitters, no conflicts (2 of 4 stars). 2 submissions from 2 submitters: Benign (1); Likely benign (1). Last evaluated 2018-07-31.

Conditions:
Exudative vitreoretinopathy 1 (EVR1). Also called: CRISWICK-SCHEPENS SYNDROME; FEVR, AUTOSOMAL DOMINANT; Familial exudative vitreoretinopathy, autosomal dominant. Identifiers: Orphanet 891, Orphanet 90050, MedGen C1851402, MONDO:0007589, OMIM 133780.

Allele frequency attached by ClinVar (database versions not stated): gnomAD exomes 0.00963; gnomAD 0.01278 and 0.01377; TOPMed 0.01514; 1000 Genomes Project 0.02796; 1000 Genomes Project 30x 0.02811.
gnomAD v4.1: 6,709 of 634,988 alleles (1.1%); highest among the groups gnomAD compares: South Asian, 3.9%; 119 homozygotes.

Submissions (2):

GeneDx
Classification: Likely benign. Last evaluated: 2018-07-31. Review status: criteria provided, single submitter. Criteria: GeneDx Variant Classification Process June 2021. Collection method: clinical testing. Allele origin: germline. Affected: yes.

Illumina Laboratory Services, Illumina
Classification: Benign for Exudative vitreoretinopathy 1. Last evaluated: 2018-01-12. Review status: criteria provided, single submitter. Criteria: ICSL Variant Classification Criteria 13 December 2019. Collection method: clinical testing. Allele origin: germline.
Comment: This variant was observed in the ICSL laboratory as part of a predisposition screen in an ostensibly healthy population. It had not been previously curated by ICSL or reported in the Human Gene Mutation Database (HGMD: prior to June 1st, 2018), and was therefore a candidate for classification through an automated scoring system. Utilizing variant allele frequency, disease prevalence and penetrance estimates, and inheritance mode, an automated score was calculated to assess if this variant is too frequent to cause the disease. Based on the score and internal cut-off values, a variant classified as benign is not then subjected to further curation. The score for this variant resulted in a classification of benign for this disease.